The following is an entry in ClinVar:

NM_004706.4(ARHGEF1):c.329T>A (p.Leu110His)

Gene: ARHGEF1 (Rho guanine nucleotide exchange factor 1; plus strand). Cytogenetic location: 19q13.2.
Variant type: single nucleotide variant.
Coding change: c.329T>A on transcript NM_004706.4 (MANE Select); coding-DNA position 329, T replaced by A.
Protein change: p.Leu110His; replaces leucine 110 with histidine.
Molecular consequence: missense variant.
Genome position (GRCh38, 1-based): chr19:41,892,335, T>A. VCF-style: chr19-41892335-T-A. GRCh37 (hg19) VCF-style: chr19-42396406-T-A.
Other names: c.230T>A, p.Leu77His (NM_198977.2); c.374T>A, p.Leu125His (NM_199002.2); short protein forms L77H, L125H, L110H.
Identifiers: ClinVar variation 1351075 (VCV001351075.6), dbSNP rs2074390204, ClinGen allele CA406047300.
Genomic context (GRCh38, chr19:41,892,335, plus strand): 5'-GCCTGCATCTCAGCACACCAAGTCCTCCTCTTCACCCCATTCTCTCTCTTGAGCAGGTTC[T>A]CCGGGTGCCGGTCCCTCCCAACGTCGCCTTTGAACTTGGTAAGGAGAAGGATGGGATGAG-3'
Protein context (NP_004697.2, residues 100-120): YHSFLEKTAV[Leu110His]RVPVPPNVAF

ClinVar aggregate classification (germline): Uncertain significance (1 of 4 stars; one submission).

Submission:

Labcorp Genetics (formerly Invitae), Labcorp
Classification: Uncertain significance. Last evaluated: 2021-11-25. Review status: criteria provided, single submitter. Criteria: Invitae Variant Classification Sherloc (09022015). Collection method: clinical testing. Allele origin: germline.
Comment: This variant is not present in population databases (gnomAD no frequency). This sequence change replaces leucine, which is neutral and non-polar, with histidine, which is basic and polar, at codon 125 of the ARHGEF1 protein (p.Leu125His). This variant has not been reported in the literature in individuals affected with ARHGEF1-related conditions. Algorithms developed to predict the effect of missense changes on protein structure and function (SIFT, PolyPhen-2, Align-GVGD) all suggest that this variant is likely to be disruptive. In summary, the available evidence is currently insufficient to determine the role of this variant in disease. Therefore, it has been classified as a Variant of Uncertain Significance.